The following is an entry in ClinVar:

NM_021102.4(SPINT2):c.553+1G>A

Gene: SPINT2 (serine peptidase inhibitor, Kunitz type 2; plus strand). Cytogenetic location: 19q13.2.
Variant type: single nucleotide variant.
Coding change: c.553+1G>A on transcript NM_021102.4 (MANE Select); the canonical splice donor site of the intron after coding-DNA position 553, G replaced by A.
Molecular consequence: splice donor variant.
Genome position (GRCh38, 1-based): chr19:38,290,281, G>A. VCF-style: chr19-38290281-G-A. GRCh37 (hg19) VCF-style: chr19-38780921-G-A.
Other names: c.382+1G>A (NM_001166103.2).
Identifiers: ClinVar variation 1943857 (VCV001943857.5), dbSNP rs2146279917, ClinGen allele CA405634270.
Genomic context (GRCh38, chr19:38,290,281, plus strand): 5'-GCTGCCGGGGCAATAAGAACAGCTACCGCTCTGAGGAGGCCTGCATGCTCCGCTGCTTCC[G>A]TAAGTCTGCAGCCCCTCAGCCCAGGAAGCCCTGCCCTTGAGGACCCCGGTCCATCTCCCC-3'

ClinVar aggregate classification (germline): Likely pathogenic (1 of 4 stars; one submission).

gnomAD v4.1: 7 of 1,611,466 alleles (0.00043%); highest among the groups gnomAD compares: Non-Finnish European, 0.00059%; no homozygotes.

Submission:

Labcorp Genetics (formerly Invitae), Labcorp
Classification: Likely pathogenic. Last evaluated: 2024-08-08. Review status: criteria provided, single submitter. Criteria: Invitae Variant Classification Sherloc (09022015). Collection method: clinical testing. Allele origin: germline.
Comment: This sequence change affects a donor splice site in intron 5 of the SPINT2 gene. It is expected to disrupt RNA splicing. Variants that disrupt the donor or acceptor splice site typically lead to a loss of protein function (PMID: 16199547), and loss-of-function variants in SPINT2 are known to be pathogenic (PMID: 19185281, 24142340). This variant is not present in population databases (gnomAD no frequency). This variant has not been reported in the literature in individuals affected with SPINT2-related conditions. ClinVar contains an entry for this variant (Variation ID: 1943857). Algorithms developed to predict the effect of sequence changes on RNA splicing suggest that this variant may disrupt the consensus splice site. In summary, the currently available evidence indicates that the variant is pathogenic, but additional data are needed to prove that conclusively. Therefore, this variant has been classified as Likely Pathogenic.

Literature cited by the submitters: PubMed 16199547; PubMed 19185281; PubMed 24142340.